The following is an entry in ClinVar:

NM_001122769.3(LCA5):c.637A>G (p.Arg213Gly)

Gene: LCA5 (lebercilin LCA5; minus strand). Cytogenetic location: 6q14.1.
Variant type: single nucleotide variant.
Coding change: c.637A>G on transcript NM_001122769.3 (MANE Select); coding-DNA position 637, A replaced by G.
Protein change: p.Arg213Gly; replaces arginine 213 with glycine.
Molecular consequence: missense variant.
Genome position (GRCh38, 1-based): chr6:79,513,295, T>C on the plus strand (A>G on the coding strand, the complement: LCA5 is on the minus strand). VCF-style: chr6-79513295-T-C. GRCh37 (hg19) VCF-style: chr6-80223012-T-C.
Other names: c.637A>G (NM_181714.3); c.637A>G, p.Arg213Gly (NM_181714.4); short protein forms R213G.
Identifiers: ClinVar variation 2723941 (VCV002723941.5), dbSNP rs2533438393, ClinGen allele CA364628442.

ClinVar aggregate classification (germline): Uncertain significance. Review status: criteria provided, multiple submitters, no conflicts (2 of 4 stars). 3 submissions from 3 submitters: Uncertain significance (3). Last evaluated 2024-11-11.

Conditions:
Inborn genetic diseases. Identifiers: MedGen C0950123, MeSH D030342.

Submissions (3):

Ambry Genetics
Classification: Uncertain significance for Inborn genetic diseases. Last evaluated: 2024-11-11. Review status: criteria provided, single submitter. Criteria: Ambry Variant Classification Scheme 2023. Collection method: clinical testing. Allele origin: germline.

Labcorp Genetics (formerly Invitae), Labcorp
Classification: Uncertain significance. Last evaluated: 2024-10-29. Review status: criteria provided, single submitter. Criteria: Invitae Variant Classification Sherloc (09022015). Collection method: clinical testing. Allele origin: germline.
Comment: This sequence change replaces arginine, which is basic and polar, with glycine, which is neutral and non-polar, at codon 213 of the LCA5 protein (p.Arg213Gly). This variant is not present in population databases (gnomAD no frequency). This variant has not been reported in the literature in individuals affected with LCA5-related conditions. ClinVar contains an entry for this variant (Variation ID: 2723941). Invitae Evidence Modeling of protein sequence and biophysical properties (such as structural, functional, and spatial information, amino acid conservation, physicochemical variation, residue mobility, and thermodynamic stability) indicates that this missense variant is expected to disrupt LCA5 protein function with a positive predictive value of 80%. In summary, the available evidence is currently insufficient to determine the role of this variant in disease. Therefore, it has been classified as a Variant of Uncertain Significance.

Blueprint Genetics
Classification: Uncertain significance. Last evaluated: 2020-01-30. Review status: criteria provided, single submitter. Criteria: ACMG Guidelines, 2015. Collection method: clinical testing. Allele origin: germline.